The following is an entry in ClinVar:

ClinVar aggregate classification (germline): Pathogenic (1 of 4 stars; one submission).

Submission:

GeneDx
Classification: Pathogenic. Last evaluated: 2024-05-15. Review status: criteria provided, single submitter. Criteria: GeneDx Variant Classification Process June 2021. Collection method: clinical testing. Allele origin: germline. Affected: yes.
Comment: Frameshift variant predicted to result in protein truncation or nonsense mediated decay in a gene for which loss-of-function is a known mechanism of disease; Not observed at significant frequency in large population cohorts (gnomAD); Has not been previously published as pathogenic or benign to our knowledge

NM_013275.6(ANKRD11):c.3599_3600del (p.Lys1200fs)

Gene: ANKRD11 (ankyrin repeat domain containing 11; minus strand). Cytogenetic location: 16q24.3.
Variant type: Deletion.
Coding change: c.3599_3600del on transcript NM_013275.6 (MANE Select); coding-DNA positions 3599 to 3600, 2 bases deleted (AA; older notation c.3599_3600delAA).
Protein change: p.Lys1200fs; shifts the reading frame from lysine 1200.
Molecular consequence: frameshift variant.
Genome position (GRCh38, 1-based): chr16:89,282,942-89,282,943, TT deleted on the plus strand (AA on the coding strand, the reverse complement: ANKRD11 is on the minus strand); deleting any 2 consecutive bases within chr16:89,282,942-89,282,944 gives the same sequence; the c. name uses the placement nearest the transcript's 3' end. VCF-style (leftmost placement, unchanged base first): chr16-89282941-CTT-C. GRCh37 (hg19) VCF-style: chr16-89349349-CTT-C.
Other names: c.3599_3600del, p.Lys1200fs (NM_001256182.2, NM_001256183.2); short protein forms K1200fs.
Identifiers: ClinVar variation 3252873 (VCV003252873.1), dbSNP rs2544236777.
Genomic context (GRCh38, chr16:89,282,941, plus strand): 5'-TCCTGTCCTTGTACTTTTCTGTGGACTCTTTATCCTTCTTCTCCTTGTGCTTTTCAAAGA[CTT>C]TCTCTTTTTTGTCTCTCCCCGCGTCGGCAGCCCCTCGGTCCTTTCTCCTGTCTCTGGGCT-3'